The following is an entry in ClinVar:

NM_001378328.1(CELSR1):c.7154C>T (p.Pro2385Leu)

Gene: CELSR1 (cadherin EGF LAG seven-pass G-type receptor 1; minus strand). Cytogenetic location: 22q13.31.
Variant type: single nucleotide variant.
Coding change: c.7154C>T on transcript NM_001378328.1 (MANE Select); coding-DNA position 7154, C replaced by T.
Protein change: p.Pro2385Leu; replaces proline 2385 with leucine.
Molecular consequence: missense variant.
Genome position (GRCh38, 1-based): chr22:46,380,890, G>A on the plus strand (C>T on the coding strand, the complement: CELSR1 is on the minus strand). VCF-style: chr22-46380890-G-A. GRCh37 (hg19) VCF-style: chr22-46776787-G-A.
Other names: c.7154C>T, p.Pro2385Leu (NM_014246.4); short protein forms P2385L.
Identifiers: ClinVar variation 2578275 (VCV002578275.1), dbSNP rs117943287, ClinGen allele CA10293488.

ClinVar aggregate classification (germline): Uncertain significance (1 of 4 stars; one submission).

Allele frequency attached by ClinVar (database versions not stated): gnomAD exomes 0.00016; ExAC 0.00039; 1000 Genomes Project 0.00100; 1000 Genomes Project 30x 0.00109; gnomAD 0.00141; ESP Exome Variant Server 0.00154; TOPMed 0.00161.
gnomAD v4.1: 447 of 1,613,426 alleles (0.028%); highest among the groups gnomAD compares: African/African-American, 0.47%; no homozygotes.

Submission:

GeneDx
Classification: Uncertain significance. Last evaluated: 2023-03-01. Review status: criteria provided, single submitter. Criteria: GeneDx Variant Classification Process June 2021. Collection method: clinical testing. Allele origin: germline. Affected: yes.
Comment: In silico analysis supports that this missense variant does not alter protein structure/function; Has not been previously published as pathogenic or benign to our knowledge